The following is an entry in ClinVar:

ClinVar aggregate classification (germline): Conflicting classifications of pathogenicity. Review status: criteria provided, conflicting classifications (1 of 4 stars). 7 submissions from 7 submitters: Uncertain significance (1); Benign (2); Likely benign (4). Last evaluated 2026-01-05.

Conditions:
Hereditary cancer-predisposing syndrome. Also called: Hereditary neoplastic syndrome; Neoplastic Syndromes, Hereditary; Tumor predisposition; Hereditary Cancer Syndrome. Identifiers: Orphanet 140162, MedGen C0027672, MeSH D009386, MONDO:0015356.
Tuberous sclerosis syndrome (TSC). Also called: Tuberous Sclerosis Complex; Tuberous sclerosis. Identifiers: Orphanet 805, MedGen C0041341, MONDO:0001734.
Tuberous sclerosis 2 (TSC2). Identifiers: Orphanet 805, MedGen C1860707, MONDO:0013199, OMIM 613254.

Allele frequency attached by ClinVar (database versions not stated): ExAC 0.00001; gnomAD exomes 0.00001.
gnomAD v4.1: 13 of 1,612,152 alleles (0.00081%); highest among the groups gnomAD compares: African/African-American, 0.0013%; no homozygotes.

Submissions (7):

Labcorp Genetics (formerly Invitae), Labcorp
Classification: Likely benign for Tuberous sclerosis 2. Last evaluated: 2026-01-05. Review status: criteria provided, single submitter. Criteria: Invitae Variant Classification Sherloc (09022015). Collection method: clinical testing. Allele origin: germline.

Myriad Genetics, Inc.
Classification: Benign for Tuberous sclerosis 2. Last evaluated: 2025-06-03. Review status: criteria provided, single submitter. Criteria: Myriad Autosomal Dominant, Autosomal Recessive and X-Linked Classification Criteria (2023). Collection method: clinical testing. Allele origin: unknown.
Comment: This variant is considered benign. This variant is a silent/synonymous amino acid change and it is not expected to impact splicing.

Color Diagnostics, LLC DBA Color Health
Classification: Likely benign for Tuberous sclerosis syndrome. Last evaluated: 2022-10-06. Review status: criteria provided, single submitter. Criteria: ACMG Guidelines, 2015. Collection method: clinical testing. Allele origin: germline.

Genome-Nilou Lab
Classification: Benign for Tuberous sclerosis 2. Last evaluated: 2021-11-07. Review status: criteria provided, single submitter. Criteria: ACMG Guidelines, 2015. Collection method: clinical testing. Allele origin: germline. Affected: no.

Sema4
Classification: Uncertain significance for Hereditary cancer-predisposing syndrome. Last evaluated: 2021-05-10. Review status: criteria provided, single submitter. Criteria: Sema4 Curation Guidelines. Collection method: curation. Allele origin: germline.
Comment: The TSC2 c.4176G>A (p.Q1392=) variant has not been reported in literature to our knowledge. This variant was observed in 2/111480 chromosomes in Non-Finnish European subpopulation according to the Genome Aggregation Database (PMID: 32461654). This variant has been reported in ClinVar (Variation ID 468069). In silico tools suggest that this variant may alter RNA splicing, though these predictions have not been confirmed by functional studies. The overall evidence is insufficient to meet ACMG/AMP criteria for classifying it as benign or pathogenic. In summary, the clinical significance of this variant is currently uncertain.

GeneDx
Classification: Likely benign. Last evaluated: 2021-03-31. Review status: criteria provided, single submitter. Criteria: GeneDx Variant Classification Process June 2021. Collection method: clinical testing. Allele origin: germline. Affected: yes.

Ambry Genetics
Classification: Likely benign for Hereditary cancer-predisposing syndrome. Last evaluated: 2018-06-11. Review status: criteria provided, single submitter. Criteria: Ambry Variant Classification Scheme 2023. Collection method: clinical testing. Allele origin: germline.

NM_000548.5(TSC2):c.4176G>A (p.Gln1392=)

Gene: TSC2 (TSC complex subunit 2; plus strand). Cytogenetic location: 16p13.3.
Variant type: single nucleotide variant.
Coding change: c.4176G>A on transcript NM_000548.5 (MANE Select); coding-DNA position 4176, G replaced by A.
Protein change: p.Gln1392=; no amino-acid change (glutamine 1392 retained).
Molecular consequence: synonymous variant.
Genome position (GRCh38, 1-based): chr16:2,084,398, G>A. VCF-style: chr16-2084398-G-A. GRCh37 (hg19) VCF-style: chr16-2134399-G-A.
Other names: c.3975G>A, p.Gln1325= (NM_001077183.3); c.4107G>A, p.Gln1369= (NM_001114382.3); c.3867G>A, p.Gln1289= (NM_001318827.2); c.3831G>A, p.Gln1277= (NM_001318829.2); c.3444G>A, p.Gln1148= (NM_001318831.2); c.4008G>A, p.Gln1336= (NM_001318832.2); c.3978G>A, p.Gln1326= (NM_001363528.2); c.4044G>A, p.Gln1348= (NM_001370404.1); and 1 more.
Identifiers: ClinVar variation 468069 (VCV000468069.23), dbSNP rs749930791, ClinGen allele CA050602.